The following is an entry in ClinVar:

NM_032043.3(BRIP1):c.410A>G (p.Lys137Arg)

Gene: BRIP1 (BRCA1 interacting DNA helicase 1; minus strand). Cytogenetic location: 17q23.2.
Variant type: single nucleotide variant.
Coding change: c.410A>G on transcript NM_032043.3 (MANE Select); coding-DNA position 410, A replaced by G.
Protein change: p.Lys137Arg; replaces lysine 137 with arginine.
Molecular consequence: missense variant.
Genome position (GRCh38, 1-based): chr17:61,849,226, T>C on the plus strand (A>G on the coding strand, the complement: BRIP1 is on the minus strand). VCF-style: chr17-61849226-T-C. GRCh37 (hg19) VCF-style: chr17-59926587-T-C.
Other names: short protein forms K137R.
Identifiers: ClinVar variation 1737902 (VCV001737902.3), dbSNP rs2145765525, ClinGen allele CA400484559.

ClinVar aggregate classification (germline): Uncertain significance (1 of 4 stars; one submission).

Conditions:
Hereditary cancer-predisposing syndrome. Also called: Neoplastic Syndromes, Hereditary; Tumor predisposition; Hereditary Cancer Syndrome; Hereditary neoplastic syndrome. Identifiers: Orphanet 140162, MedGen C0027672, MeSH D009386, MONDO:0015356.

Submission:

Ambry Genetics
Classification: Uncertain significance for Hereditary cancer-predisposing syndrome. Last evaluated: 2025-08-25. Review status: criteria provided, single submitter. Criteria: Ambry Variant Classification Scheme 2023. Collection method: clinical testing. Allele origin: germline.
Comment: The p.K137R variant (also known as c.410A>G), located in coding exon 4 of the BRIP1 gene, results from an A to G substitution at nucleotide position 410. The lysine at codon 137 is replaced by arginine, an amino acid with highly similar properties. This amino acid position is conserved. In addition, this alteration is predicted to be tolerated by in silico analysis. Since supporting evidence is limited at this time, the clinical significance of this alteration remains unclear.